The following is an entry in ClinVar:

NM_021098.3(CACNA1H):c.5098G>T (p.Glu1700Ter)

Gene: CACNA1H (calcium voltage-gated channel subunit alpha1 H; plus strand). Cytogenetic location: 16p13.3.
Variant type: single nucleotide variant.
Coding change: c.5098G>T on transcript NM_021098.3 (MANE Select); coding-DNA position 5098, G replaced by T.
Protein change: p.Glu1700Ter; replaces glutamic acid 1700 with a stop codon.
Molecular consequence: nonsense.
Genome position (GRCh38, 1-based): chr16:1,215,300, G>T. VCF-style: chr16-1215300-G-T. GRCh37 (hg19) VCF-style: chr16-1265300-G-T.
Other names: c.5080G>T, p.Glu1694Ter (NM_001005407.2); short protein forms E1694*, E1700*.
Identifiers: ClinVar variation 970799 (VCV000970799.7), dbSNP rs1555519084, ClinGen allele CA394146421.

ClinVar aggregate classification (germline): Uncertain significance (1 of 4 stars; one submission).

Conditions:
Idiopathic generalized epilepsy. Also called: Generalised epilepsy; EIG. Identifiers: MedGen C0270850, MONDO:0005579, OMIM 600669.
Hyperaldosteronism, familial, type IV (HALD4). Also called: FH IV; ALDOSTERONISM, PRIMARY, AND HYPERTENSION. Identifiers: Orphanet 642671, MedGen C4310756, MONDO:0014875, OMIM 617027.

Submission:

Labcorp Genetics (formerly Invitae), Labcorp
Classification: Uncertain significance for Idiopathic generalized epilepsy; Hyperaldosteronism, familial, type IV. Last evaluated: 2022-11-29. Review status: criteria provided, single submitter. Criteria: Invitae Variant Classification Sherloc (09022015). Collection method: clinical testing. Allele origin: germline.
Comment: In summary, the available evidence is currently insufficient to determine the role of this variant in disease. Therefore, it has been classified as a Variant of Uncertain Significance. ClinVar contains an entry for this variant (Variation ID: 970799). This variant has not been reported in the literature in individuals affected with CACNA1H-related conditions. This variant is not present in population databases (gnomAD no frequency). This sequence change creates a premature translational stop signal (p.Glu1700*) in the CACNA1H gene. It is expected to result in an absent or disrupted protein product. However, the current clinical and genetic evidence is not sufficient to establish whether loss-of-function variants in CACNA1H cause disease.